The following is an entry in ClinVar:

ClinVar aggregate classification (germline): Uncertain significance (1 of 4 stars; one submission).

Submission:

Labcorp Genetics (formerly Invitae), Labcorp
Classification: Uncertain significance. Last evaluated: 2025-02-25. Review status: criteria provided, single submitter. Criteria: Invitae Variant Classification Sherloc (09022015). Collection method: clinical testing. Allele origin: germline.
Comment: This sequence change replaces glutamic acid, which is acidic and polar, with aspartic acid, which is acidic and polar, at codon 496 of the HK1 protein (p.Glu496Asp). This variant is not present in population databases (gnomAD no frequency). This variant has not been reported in the literature in individuals affected with HK1-related conditions. Invitae Evidence Modeling of protein sequence and biophysical properties (such as structural, functional, and spatial information, amino acid conservation, physicochemical variation, residue mobility, and thermodynamic stability) indicates that this missense variant is not expected to disrupt HK1 protein function with a negative predictive value of 80%. In summary, the available evidence is currently insufficient to determine the role of this variant in disease. Therefore, it has been classified as a Variant of Uncertain Significance.

NM_000188.3(HK1):c.1488G>C (p.Glu496Asp)

Gene: HK1 (hexokinase 1; plus strand). Cytogenetic location: 10q22.1.
Variant type: single nucleotide variant.
Coding change: c.1488G>C on transcript NM_000188.3 (MANE Select); coding-DNA position 1488, G replaced by C.
Protein change: p.Glu496Asp; replaces glutamic acid 496 with aspartic acid.
Molecular consequence: missense variant. On other transcripts: non-coding transcript variant (2).
Genome position (GRCh38, 1-based): chr10:69,382,709, G>C. VCF-style: chr10-69382709-G-C. GRCh37 (hg19) VCF-style: chr10-71142465-G-C.
Other names: c.1500G>C, p.Glu500Asp (NM_001322364.2, NM_001358263.1, NM_033497.3 and 1 more transcripts); c.1593G>C, p.Glu531Asp (NM_001322365.2); c.1404G>C, p.Glu468Asp (NM_001322366.1, NM_001441143.1); c.1392G>C, p.Glu464Asp (NM_001322367.1); c.1488G>C, p.Glu496Asp (NM_001441139.1, NM_001441141.1, NM_001441145.1 and 2 more transcripts); c.1479G>C, p.Glu493Asp (NM_001441140.1); c.1446G>C, p.Glu482Asp (NM_001441142.1); c.1368G>C, p.Glu456Asp (NM_001441144.1); and 8 more; short protein forms E464D, E493D, E495D, E496D, E500D, E160D, E258D, E468D.
Identifiers: ClinVar variation 4746519 (VCV004746519.1).